The following is an entry in ClinVar:

NM_016213.5(TRIP4):c.1199del (p.Gln400fs)

Gene: TRIP4 (thyroid hormone receptor interactor 4; plus strand). Cytogenetic location: 15q22.31.
Variant type: Deletion.
Coding change: c.1199del on transcript NM_016213.5 (MANE Select); coding-DNA position 1199, one base deleted (A; older notation c.1199delA).
Protein change: p.Gln400fs; shifts the reading frame from glutamine 400.
Molecular consequence: frameshift variant. On other transcripts: non-coding transcript variant (1).
Genome position (GRCh38, 1-based): chr15:64,418,569, A deleted. VCF-style (leftmost placement, unchanged base first): chr15-64418568-CA-C. GRCh37 (hg19) VCF-style: chr15-64710767-CA-C.
Other names: c.509del, p.Gln170fs (NM_001321924.2); short protein forms Q170fs, Q400fs.
Identifiers: ClinVar variation 3233247 (VCV003233247.2), dbSNP rs2505448975.

ClinVar aggregate classification (germline): Pathogenic (1 of 4 stars; one submission).

Conditions:
Centronuclear myopathy (CNM). Also called: Centronuclear myopathy, congenital; Myotubular myopathy. Identifiers: Orphanet 595, MedGen C0175709, MONDO:0018947. Inheritance: All.

Submission:

Muscle and Diseases Team, Institut de Génétique et Biologie Moléculaire et Cellulaire
Classification: Pathogenic for Centronuclear myopathy. Last evaluated: 2024-03-01. Review status: criteria provided, single submitter. Criteria: ACMG Guidelines, 2015. Collection method: research. Allele origin: unknown. Affected: yes. Observed: 1 variant allele.
Comment: PVS1+PS3+PM3+PP1_Moderate

Literature cited by the submitters: DOI 10.1186/s13073-024-01353-0; PubMed 31794073.